The following is an entry in ClinVar:

ClinVar aggregate classification (germline): Conflicting classifications of pathogenicity. Review status: criteria provided, conflicting classifications (1 of 4 stars). 8 submissions from 6 submitters: Uncertain significance (5); Benign (1); Likely benign (2). Last evaluated 2025-12-16.

Conditions:
Arrhythmogenic right ventricular dysplasia 8 (ARVD8). Also called: Arrhythmogenic Right Ventricular Dysplasia/Cardiomyopathy 8; ARRHYTHMOGENIC RIGHT VENTRICULAR DYSPLASIA, FAMILIAL, 8; ARRHYTHMOGENIC RIGHT VENTRICULAR CARDIOMYOPATHY 8. Identifiers: MedGen C1843896, MONDO:0011831, OMIM 607450.
Woolly hair-skin fragility syndrome (WHSF). Identifiers: Orphanet 293165, MedGen C1843292, MONDO:0957307, OMIM 620415.
Lethal acantholytic epidermolysis bullosa (EBLA). Identifiers: Orphanet 158687, MedGen C1864826, MONDO:0012323, OMIM 609638.
Cardiomyopathy (CMYO). Also called: Cardiomyopathies. Identifiers: Orphanet 167848, MedGen C0878544, MONDO:0004994, HP:0001638. Inheritance: Various modes of inheritance.
Arrhythmogenic cardiomyopathy with wooly hair and keratoderma. Also called: Dilated cardiomyopathy with woolly hair and keratoderma; Carvajal syndrome; PALMOPLANTAR KERATODERMA WITH LEFT VENTRICULAR CARDIOMYOPATHY AND WOOLLY HAIR; Arrhythmogenic cardiomyopathy with woolly hair and keratoderma. Identifiers: Orphanet 65282, MedGen C1854063, MONDO:0011581, OMIM 605676.

Allele frequency attached by ClinVar (database versions not stated): gnomAD 0.00001; ExAC 0.00002; TOPMed 0.00002; gnomAD exomes 0.00004.
gnomAD v4.1: 12 of 1,613,954 alleles (0.00074%); highest among the groups gnomAD compares: East Asian, 0.022%; no homozygotes.

Submissions (8):

Labcorp Genetics (formerly Invitae), Labcorp
Classification: Benign for Arrhythmogenic cardiomyopathy with wooly hair and keratoderma; Arrhythmogenic right ventricular dysplasia 8. Last evaluated: 2025-12-16. Review status: criteria provided, single submitter. Criteria: Invitae Variant Classification Sherloc (09022015). Collection method: clinical testing. Allele origin: germline.

GeneDx
Classification: Uncertain significance. Last evaluated: 2024-12-03. Review status: criteria provided, single submitter. Criteria: GeneDx Variant Classification Process June 2021. Collection method: clinical testing. Allele origin: germline. Affected: yes.
Comment: In silico analysis supports that this missense variant has a deleterious effect on protein structure/function; Reported in a cohort of individuals with sudden unexplained nocturnal death syndrome (PMID: 26585738); This variant is associated with the following publications: (PMID: 26585738)

All of Us Research Program, National Institutes of Health
Classification: Likely benign for Arrhythmogenic cardiomyopathy with wooly hair and keratoderma. Last evaluated: 2023-08-28. Review status: criteria provided, single submitter. Criteria: ACMG Guidelines, 2015. Collection method: clinical testing. Allele origin: germline. Inheritance: Autosomal dominant inheritance. Observed: 1 variant allele, 1 heterozygote.
Comment: This study involves interpretation of variants in research participants for the purpose of population health screening. Participant phenotype was not available at the time of variant classification. Additional details can be found in publication PMID: 35346344, PMCID: PMC8962531

Color Diagnostics, LLC DBA Color Health
Classification: Likely benign for Cardiomyopathy. Last evaluated: 2020-07-15. Review status: criteria provided, single submitter. Criteria: ACMG Guidelines, 2015. Collection method: clinical testing. Allele origin: germline.

Illumina Laboratory Services, Illumina
Classification: Uncertain significance for Lethal acantholytic epidermolysis bullosa. Last evaluated: 2017-04-28. Review status: criteria provided, single submitter. Criteria: ICSL Variant Classification Criteria 13 December 2019. Collection method: clinical testing. Allele origin: germline.

Illumina Laboratory Services, Illumina
Classification: Uncertain significance for Arrhythmogenic cardiomyopathy with wooly hair and keratoderma. Last evaluated: 2017-04-28. Review status: criteria provided, single submitter. Criteria: ICSL Variant Classification Criteria 13 December 2019. Collection method: clinical testing. Allele origin: germline.

Illumina Laboratory Services, Illumina
Classification: Uncertain significance for Arrhythmogenic right ventricular dysplasia 8. Last evaluated: 2017-04-28. Review status: criteria provided, single submitter. Criteria: ICSL Variant Classification Criteria 13 December 2019. Collection method: clinical testing. Allele origin: germline.
Comment: This variant was observed as part of a predisposition screen in an ostensibly healthy population. A literature search was performed for the gene, cDNA change, and amino acid change (where applicable). Publications were found based on this search. However, the evidence from the literature, in combination with allele frequency data from public databases where available, was not sufficient to rule this variant in or out of causing disease. Therefore, this variant is classified as a variant of unknown significance.

Stanford Center for Inherited Cardiovascular Disease, Stanford University
Classification: Uncertain significance. Last evaluated: 2016-08-02. Review status: criteria provided, single submitter. Criteria: ACMG Guidelines, 2015. Collection method: provider interpretation. Allele origin: germline.

Literature cited by the submitters: PubMed 26585738 (cited by Illumina Laboratory Services, Illumina).

NM_004415.4(DSP):c.1562A>C (p.Asp521Ala)

Gene: DSP (desmoplakin; plus strand). Cytogenetic location: 6p24.3.
Variant type: single nucleotide variant.
Coding change: c.1562A>C on transcript NM_004415.4 (MANE Select); coding-DNA position 1562, A replaced by C.
Protein change: p.Asp521Ala; replaces aspartic acid 521 with alanine.
Molecular consequence: missense variant.
Genome position (GRCh38, 1-based): chr6:7,569,328, A>C. VCF-style: chr6-7569328-A-C. GRCh37 (hg19) VCF-style: chr6-7569561-A-C.
Other names: c.1562A>C (LRG_423t1); c.1562A>C, p.Asp521Ala (NM_001008844.3, NM_001319034.2); short protein forms D521A.
Identifiers: ClinVar variation 405222 (VCV000405222.19), dbSNP rs748790273, ClinGen allele CA028703.
Genomic context (GRCh38, chr6:7,569,328, plus strand): 5'-TTGACATGCTTGTTCCCTCTGTGGGGCTGATCATCCCTCCTCCGAACCCACTGGCCGTGG[A>C]CCTCTCTTGCAAGTAAGTCATCCAAGTTCCCAAAGCCACGCATGCACGCATGAATGTGAG-3'
Protein context (NP_004406.2, residues 511-531): IIPPPNPLAV[Asp521Ala]LSCKIEQYYE